The following is an entry in ClinVar:

NM_004863.4(SPTLC2):c.418A>G (p.Ser140Gly)

Gene: SPTLC2 (serine palmitoyltransferase long chain base subunit 2; minus strand). Cytogenetic location: 14q24.3.
Variant type: single nucleotide variant.
Coding change: c.418A>G on transcript NM_004863.4 (MANE Select); coding-DNA position 418, A replaced by G.
Protein change: p.Ser140Gly; replaces serine 140 with glycine.
Molecular consequence: missense variant.
Genome position (GRCh38, 1-based): chr14:77,579,019, T>C on the plus strand (A>G on the coding strand, the complement: SPTLC2 is on the minus strand). VCF-style: chr14-77579019-T-C. GRCh37 (hg19) VCF-style: chr14-78045362-T-C.
Other names: short protein forms S140G.
Identifiers: ClinVar variation 862758 (VCV000862758.9), dbSNP rs2079732982, ClinGen allele CA390700787.

ClinVar aggregate classification (germline): Uncertain significance (1 of 4 stars; one submission).

Conditions:
Neuropathy, hereditary sensory and autonomic, type 1C. Also called: HSAN IC; HSN IC. Identifiers: Orphanet 36386, MedGen C3150896, MONDO:0013337, OMIM 613640.

Submission:

Labcorp Genetics (formerly Invitae), Labcorp
Classification: Uncertain significance for Neuropathy, hereditary sensory and autonomic, type 1C. Last evaluated: 2020-02-11. Review status: criteria provided, single submitter. Criteria: Invitae Variant Classification Sherloc (09022015). Collection method: clinical testing. Allele origin: germline.
Comment: In summary, the available evidence is currently insufficient to determine the role of this variant in disease. Therefore, it has been classified as a Variant of Uncertain Significance. This sequence change replaces serine with glycine at codon 140 of the SPTLC2 protein (p.Ser140Gly). The serine residue is moderately conserved and there is a small physicochemical difference between serine and glycine. This variant is not present in population databases (ExAC no frequency). This variant has not been reported in the literature in individuals with SPTLC2-related conditions. Algorithms developed to predict the effect of missense changes on protein structure and function (SIFT, PolyPhen-2, Align-GVGD) all suggest that this variant is likely to be tolerated, but these predictions have not been confirmed by published functional studies and their clinical significance is uncertain.